The following is an entry in ClinVar:

ClinVar aggregate classification (germline): Uncertain significance (1 of 4 stars; one submission).

Conditions:
IQGAP3-related disorder. Also called: IQGAP3-related condition.

gnomAD v4.1: 1 of 1,603,180 alleles (0.000062%); highest among the groups gnomAD compares: Non-Finnish European, 0.000085%; no homozygotes.

Submission:

PreventionGenetics, part of Exact Sciences
Classification: Uncertain significance for IQGAP3-related condition. Last evaluated: 2025-09-16. Review status: criteria provided, single submitter. Criteria: ACMG Guidelines, 2015. Collection method: clinical testing. Allele origin: germline.
Comment: The IQGAP3 c.881A>G variant is predicted to result in the amino acid substitution p.His294Arg. To our knowledge, this variant has not been reported in the literature or in a large population database (gnomAD), indicating this variant is rare. At this time, the clinical significance of this variant is uncertain due to the absence of conclusive functional and genetic evidence.

NM_178229.5(IQGAP3):c.881A>G (p.His294Arg)

Gene: IQGAP3 (IQ motif containing GTPase activating protein 3; minus strand). Cytogenetic location: 1q22.
Variant type: single nucleotide variant.
Coding change: c.881A>G on transcript NM_178229.5 (MANE Select); coding-DNA position 881, A replaced by G.
Protein change: p.His294Arg; replaces histidine 294 with arginine.
Molecular consequence: missense variant.
Genome position (GRCh38, 1-based): chr1:156,561,998, T>C on the plus strand (A>G on the coding strand, the complement: IQGAP3 is on the minus strand). VCF-style: chr1-156561998-T-C. GRCh37 (hg19) VCF-style: chr1-156531790-T-C.
Other names: short protein forms H294R.
Identifiers: ClinVar variation 4996678 (VCV004996678.1).